The following is an entry in ClinVar:

ClinVar aggregate classification (germline): Pathogenic (1 of 4 stars; one submission).

Submission:

Labcorp Genetics (formerly Invitae), Labcorp
Classification: Pathogenic. Last evaluated: 2022-12-25. Review status: criteria provided, single submitter. Criteria: Invitae Variant Classification Sherloc (09022015). Collection method: clinical testing. Allele origin: germline.
Comment: Algorithms developed to predict the effect of sequence changes on RNA splicing suggest that this variant may disrupt the consensus splice site. Disruption of this splice site has been observed in individual(s) with Stargardt disease (PMID: 23755871). This variant is not present in population databases (gnomAD no frequency). This sequence change affects an acceptor splice site in intron 32 of the ABCA4 gene. It is expected to disrupt RNA splicing. Variants that disrupt the donor or acceptor splice site typically lead to a loss of protein function (PMID: 16199547), and loss-of-function variants in ABCA4 are known to be pathogenic (PMID: 10958761, 24938718, 25312043, 26780318). For these reasons, this variant has been classified as Pathogenic.

Literature cited by the submitters: PubMed 23755871; PubMed 16199547; PubMed 10958761; PubMed 24938718; PubMed 25312043; PubMed 26780318.

NM_000350.3(ABCA4):c.4668-1G>C

Gene: ABCA4 (ATP binding cassette subfamily A member 4; minus strand). Cytogenetic location: 1p22.1.
Variant type: single nucleotide variant.
Coding change: c.4668-1G>C on transcript NM_000350.3 (MANE Select); the canonical splice acceptor site of the intron before coding-DNA position 4668, G replaced by C.
Molecular consequence: splice acceptor variant.
Genome position (GRCh38, 1-based): chr1:94,021,952, C>G on the plus strand (G>C on the coding strand, the complement: ABCA4 is on the minus strand). VCF-style: chr1-94021952-C-G. GRCh37 (hg19) VCF-style: chr1-94487508-C-G.
Identifiers: ClinVar variation 2824008 (VCV002824008.3), dbSNP rs1439783011, ClinGen allele CA341284092.
Genomic context (GRCh38, chr1:94,021,952, plus strand): 5'-AGTGCTTCCCCCGTGATGGGGACGACTGGGAGCTTTCCTCCAATGGAAATTCCTCCATAC[C>G]TGACAAGGAAACAGGAAATCCTCAGACCAGGGCCACGAACTTCACGCCTACTAGTAGCTC-3'